The following is an entry in ClinVar:

NM_001127222.2(CACNA1A):c.169C>T (p.Arg57Trp)

Gene: CACNA1A (calcium voltage-gated channel subunit alpha1 A; minus strand). Cytogenetic location: 19p13.13.
Variant type: single nucleotide variant.
Coding change: c.169C>T on transcript NM_001127222.2 (MANE Select); coding-DNA position 169, C replaced by T.
Protein change: p.Arg57Trp; replaces arginine 57 with tryptophan.
Molecular consequence: missense variant.
Genome position (GRCh38, 1-based): chr19:13,506,056, G>A on the plus strand (C>T on the coding strand, the complement: CACNA1A is on the minus strand). VCF-style: chr19-13506056-G-A. GRCh37 (hg19) VCF-style: chr19-13616870-G-A.
Other names: c.169C>T, p.Arg57Trp (NM_000068.4, NM_001127221.2, NM_001174080.2 and 1 more transcripts); short protein forms R57W.
Identifiers: ClinVar variation 1020792 (VCV001020792.9), dbSNP rs1982997781, ClinGen allele CA404971057.

ClinVar aggregate classification (germline): Uncertain significance (1 of 4 stars; one submission).

Conditions:
Developmental and epileptic encephalopathy, 42 (DEE42A). Also called: DEVELOPMENTAL AND EPILEPTIC ENCEPHALOPATHY 42A; EPILEPTIC ENCEPHALOPATHY, EARLY INFANTILE, 42A; Epileptic encephalopathy, early infantile, 42. Identifiers: MedGen C4310716, MONDO:0014917, OMIM 617106.
Episodic ataxia type 2 (EA2). Also called: ACETAZOLAMIDE-RESPONSIVE HEREDITARY PAROXYSMAL CEREBELLAR ATAXIA; EPISODIC ATAXIA, NYSTAGMUS-ASSOCIATED; ATAXIA, EPISODIC, WITH NYSTAGMUS; ATAXIA, FAMILIAL PAROXYSMAL; CEREBELLAR ATAXIA, PAROXYSMAL, ACETAZOLAMIDE-RESPONSIVE; CEREBELLOPATHY, HEREDITARY PAROXYSMAL. Identifiers: Orphanet 97, MedGen C1720416, MONDO:0007163, OMIM 108500.

Submission:

Labcorp Genetics (formerly Invitae), Labcorp
Classification: Uncertain significance for Developmental and epileptic encephalopathy, 42; Episodic ataxia type 2. Last evaluated: 2020-09-08. Review status: criteria provided, single submitter. Criteria: Invitae Variant Classification Sherloc (09022015). Collection method: clinical testing. Allele origin: germline.
Comment: In summary, the available evidence is currently insufficient to determine the role of this variant in disease. Therefore, it has been classified as a Variant of Uncertain Significance. Advanced modeling of protein sequence and biophysical properties (such as structural, functional, and spatial information, amino acid conservation, physicochemical variation, residue mobility, and thermodynamic stability) performed at Invitae indicates that this missense variant is expected to disrupt CACNA1A protein function. This variant has not been reported in the literature in individuals with CACNA1A-related conditions. This variant is not present in population databases (ExAC no frequency). This sequence change replaces arginine with tryptophan at codon 57 of the CACNA1A protein (p.Arg57Trp). The arginine residue is highly conserved and there is a moderate physicochemical difference between arginine and tryptophan.